The following is an entry in ClinVar:

ClinVar aggregate classification (germline): Likely pathogenic (1 of 4 stars; one submission).

Conditions:
Dilated cardiomyopathy 1G (CMD1G). Identifiers: Orphanet 154, MedGen C1858763, MONDO:0011400, OMIM 604145.
Autosomal recessive limb-girdle muscular dystrophy type 2J (LGMDR10). Also called: Limb-girdle muscular dystrophy, type 2J; MUSCULAR DYSTROPHY, LIMB-GIRDLE, AUTOSOMAL RECESSIVE 10. Identifiers: Orphanet 140922, MedGen C1837342, MONDO:0012127, OMIM 608807.

Submission:

Labcorp Genetics (formerly Invitae), Labcorp
Classification: Likely pathogenic for Dilated cardiomyopathy 1G; Autosomal recessive limb-girdle muscular dystrophy type 2J. Last evaluated: 2020-03-16. Review status: criteria provided, single submitter. Criteria: Invitae Variant Classification Sherloc (09022015). Collection method: clinical testing. Allele origin: germline.
Comment: In summary, the currently available evidence indicates that the variant is pathogenic, but additional data are needed to prove that conclusively. Therefore, this variant has been classified as Likely Pathogenic. This variant is located in the A band of TTN (PMID: 25589632). Truncating variants in this region are significantly overrepresented in patients affected with dilated cardiomyopathy (PMID: 25589632). Truncating variants in this region have also been reported in individuals affected with autosomal recessive centronuclear myopathy (PMID: 23975875). This variant has not been reported in the literature in individuals with TTN-related conditions. This variant is not present in population databases (ExAC no frequency). This sequence change results in a premature translational stop signal in the TTN gene (p.Arg22107Glufs*5). While this is not anticipated to result in nonsense mediated decay, it is expected to create a truncated TTN protein.

Literature cited by the submitters: PubMed 25589632; PubMed 23975875.

NM_001267550.2(TTN):c.66319del (p.Arg22107fs)

Genes: TTN (titin; minus strand), TTN-AS1 (TTN antisense RNA 1; plus strand). Cytogenetic location: 2q31.2.
Variant type: Deletion.
Coding change: c.66319del on transcript NM_001267550.2 (MANE Select); coding-DNA position 66319, one base deleted (A; older notation c.66319delA).
Protein change: p.Arg22107fs; shifts the reading frame from arginine 22107.
Molecular consequence: frameshift variant.
Genome position (GRCh38, 1-based): chr2:178,582,050, T deleted on the plus strand (A on the coding strand, the reverse complement: TTN is on the minus strand). VCF-style (leftmost placement, unchanged base first): chr2-178582049-CT-C. GRCh37 (hg19) VCF-style: chr2-179446776-CT-C.
Other names: c.61396del, p.Arg20466fs (NM_001256850.1); c.39124del, p.Arg13042fs (NM_003319.4); c.58615del, p.Arg19539fs (NM_133378.4); c.39499del, p.Arg13167fs (NM_133432.3); c.39700del, p.Arg13234fs (NM_133437.4); short protein forms R13042fs, R20466fs, R22107fs, R13167fs, R13234fs, R19539fs.
Identifiers: ClinVar variation 836544 (VCV000836544.12), dbSNP rs2047900528, ClinGen allele CA916081363.